The following is an entry in ClinVar:

ClinVar aggregate classification (germline): Uncertain significance (1 of 4 stars; one submission).

Allele frequency attached by ClinVar (database versions not stated): ExAC 0.00001; gnomAD 0.00001; gnomAD exomes 0.00001 and 0.00002.
gnomAD v4.1: 21 of 1,614,142 alleles (0.0013%); highest among the groups gnomAD compares: Non-Finnish European, 0.0017%; no homozygotes.

Submission:

Labcorp Genetics (formerly Invitae), Labcorp
Classification: Uncertain significance. Last evaluated: 2026-01-06. Review status: criteria provided, single submitter. Criteria: Invitae Variant Classification Sherloc (09022015). Collection method: clinical testing. Allele origin: germline.
Comment: This sequence change replaces glycine, which is neutral and non-polar, with arginine, which is basic and polar, at codon 2082 of the FLNB protein (p.Gly2082Arg). This variant also falls at the last nucleotide of exon 37, which is part of the consensus splice site for this exon. This variant is present in population databases (rs755629097, gnomAD 0.005%). This variant has not been reported in the literature in individuals affected with FLNB-related conditions. ClinVar contains an entry for this variant (Variation ID: 1389956). An algorithm developed to predict the effect of missense changes on protein structure and function (PolyPhen-2) suggests that this variant is likely to be disruptive. Variants that disrupt the consensus splice site are a relatively common cause of aberrant splicing (PMID: 17576681, 9536098). Algorithms developed to predict the effect of sequence changes on RNA splicing suggest that this variant may disrupt the consensus splice site. In summary, the available evidence is currently insufficient to determine the role of this variant in disease. Therefore, it has been classified as a Variant of Uncertain Significance.

Literature cited by the submitters: PubMed 17576681; PubMed 9536098.

NM_001457.4(FLNB):c.6244G>A (p.Gly2082Arg)

Gene: FLNB (filamin B; plus strand). Cytogenetic location: 3p14.3.
Variant type: single nucleotide variant.
Coding change: c.6244G>A on transcript NM_001457.4 (MANE Select); coding-DNA position 6244, G replaced by A.
Protein change: p.Gly2082Arg; replaces glycine 2082 with arginine.
Molecular consequence: missense variant.
Genome position (GRCh38, 1-based): chr3:58,150,002, G>A. VCF-style: chr3-58150002-G-A. GRCh37 (hg19) VCF-style: chr3-58135729-G-A.
Other names: c.6337G>A, p.Gly2113Arg (NM_001164317.2); c.6211G>A, p.Gly2071Arg (NM_001164318.2); c.6172G>A, p.Gly2058Arg (NM_001164319.2); short protein forms G2058R, G2071R, G2113R, G2082R.
Identifiers: ClinVar variation 1389956 (VCV001389956.8), dbSNP rs755629097, ClinGen allele CA2469284.